The following is an entry in ClinVar:

ClinVar aggregate classification (germline): Uncertain significance (1 of 4 stars; one submission).

Submission:

Laboratory for Molecular Medicine, Mass General Brigham Personalized Medicine
Classification: Uncertain significance. Last evaluated: 2018-04-12. Review status: criteria provided, single submitter. Criteria: LMM Criteria. Collection method: clinical testing. Allele origin: germline. Observed: 1 variant allele.
Comment: The c.(?_-15)_(1947_?)dup variant in RAF1 is a duplication of the coding exons: exons 2-17. The exact breakpoints of this gain cannot be determined by this meth od, and exon 1 is not included in the test as it is non-coding. Gains of the RAF 1 gene, including large CNVs that include RAF1 and other genes, have been report ed in several individuals with variable phenotypes as well as in healthy control s. Large CNVs encompassing RAF1 and additional genes been reported in one indivi dual with TOF and two individuals with varying phenotypes and severity, one of w hich was inherited from an unaffected father (Silversides 2012, Luo 2012, Lissew ski 2015). Whole gene gains of RAF1 have also been reported in 3 individuals in Decipher with ID and other phenotypes, two of wh ich were inherited from an unaffected parent. Large CNVs encompassing RAF1 and a dditional genes has been reported as uncertain in ClinVar, in ten individuals in the Database of Genomic Variants (DGV), and in 3/41234 tota l chromosomes in Exome Aggregation Consortium (ExAC. org). In summary, the clinical significance of this partial gain of the RAF1 gen e is uncertain.

Literature cited by the submitters: PubMed 22786616; PubMed 22912587; PubMed 25974318.

Single allele

Gene: RAF1 (Raf-1 proto-oncogene, serine/threonine kinase; minus strand). Cytogenetic location: 3p25.2.
Variant type: Duplication.
Identifiers: ClinVar variation 667316 (VCV000667316.4).